The following is an entry in ClinVar:

NM_000516.7(GNAS):c.313-3_313-2del

Gene: GNAS (GNAS complex locus; plus strand). Cytogenetic location: 20q13.32.
Variant type: Deletion.
Coding change: c.313-3_313-2del on transcript NM_000516.7 (MANE Select); 3 bases into the intron before coding-DNA position 313 through the canonical splice acceptor site of the intron before coding-DNA position 313, 2 bases deleted (CA; older notation c.313-3_313-2delCA).
Molecular consequence: splice acceptor variant.
Genome position (GRCh38, 1-based): chr20:58,903,669-58,903,670, CA deleted. VCF-style (leftmost placement, unchanged base first): chr20-58903668-TCA-T. GRCh37 (hg19) VCF-style: chr20-57478723-TCA-T.
Other names: c.*219-3_*219-2del (NM_016592.5); c.217-3_217-2del (NM_001410912.1); c.136-3_136-2del (NM_001309861.2, NM_001309840.2); c.*174-3_*174-2del (NM_001077490.3); c.2242-3_2242-2del (NM_080425.4); c.2197-3_2197-2del (NM_001410913.1); c.316-3_316-2del (NM_001077488.5); c.271-3_271-2del (NM_080426.4); and 1 more.
Identifiers: ClinVar variation 2826843 (VCV002826843.3), dbSNP rs2517081753, ClinGen allele CA2739277215.

ClinVar aggregate classification (germline): Likely pathogenic (1 of 4 stars; one submission).

Submission:

Labcorp Genetics (formerly Invitae), Labcorp
Classification: Likely pathogenic. Last evaluated: 2023-01-07. Review status: criteria provided, single submitter. Criteria: Invitae Variant Classification Sherloc (09022015). Collection method: clinical testing. Allele origin: germline.
Comment: In summary, the currently available evidence indicates that the variant is pathogenic, but additional data are needed to prove that conclusively. Therefore, this variant has been classified as Likely Pathogenic. Algorithms developed to predict the effect of sequence changes on RNA splicing suggest that this variant may disrupt the consensus splice site. Disruption of this splice site has been observed in individual(s) with clinical features of GNAS-related conditions (Invitae). This variant is not present in population databases (gnomAD no frequency). This sequence change affects a splice site in intron 4 of the GNAS gene. It is expected to disrupt RNA splicing. Variants that disrupt the donor or acceptor splice site typically lead to a loss of protein function (PMID: 16199547), and loss-of-function variants in GNAS are known to be pathogenic (PMID: 11784876, 23281139, 23796510, 25802881).

Literature cited by the submitters: PubMed 16199547; PubMed 11784876; PubMed 23281139; PubMed 23796510; PubMed 25802881.